The following is an entry in ClinVar:

ClinVar aggregate classification (germline): Uncertain significance. Review status: criteria provided, multiple submitters, no conflicts (2 of 4 stars). 3 submissions from 3 submitters: Uncertain significance (3). Last evaluated 2025-11-20.

Conditions:
Inborn genetic diseases. Identifiers: MedGen C0950123, MeSH D030342.
Nephronophthisis. Also called: Juvenile Nephronophthisis. Identifiers: Orphanet 655, MedGen C0687120, MONDO:0019005, HP:0000090.

Allele frequency attached by ClinVar (database versions not stated): TOPMed 0.00002; ExAC 0.00002; gnomAD 0.00004 and 0.00003; gnomAD exomes 0.00003.

Submissions (3):

Ambry Genetics
Classification: Uncertain significance for Inborn genetic diseases. Last evaluated: 2025-11-20. Review status: criteria provided, single submitter. Criteria: Ambry Variant Classification Scheme 2023. Collection method: clinical testing. Allele origin: germline.

Labcorp Genetics (formerly Invitae), Labcorp
Classification: Uncertain significance for Nephronophthisis. Last evaluated: 2022-07-12. Review status: criteria provided, single submitter. Criteria: Invitae Variant Classification Sherloc (09022015). Collection method: clinical testing. Allele origin: germline.
Comment: This sequence change replaces arginine, which is basic and polar, with glutamine, which is neutral and polar, at codon 638 of the INVS protein (p.Arg638Gln). This variant is present in population databases (rs761806481, gnomAD 0.01%). This variant has not been reported in the literature in individuals affected with INVS-related conditions. ClinVar contains an entry for this variant (Variation ID: 462710). Algorithms developed to predict the effect of missense changes on protein structure and function output the following: SIFT: "Tolerated"; PolyPhen-2: "Benign"; Align-GVGD: "Class C0". The glutamine amino acid residue is found in multiple mammalian species, which suggests that this missense change does not adversely affect protein function. In summary, the available evidence is currently insufficient to determine the role of this variant in disease. Therefore, it has been classified as a Variant of Uncertain Significance.

Eurofins Ntd Llc (ga)
Classification: Uncertain significance. Last evaluated: 2018-08-15. Review status: criteria provided, single submitter. Criteria: EGL ClinVar v180209 classification definitions. Collection method: clinical testing. Allele origin: germline. Observed: 3 variant alleles, 3 heterozygotes.

NM_014425.5(INVS):c.1913G>A (p.Arg638Gln)

Gene: INVS (inversin; plus strand). Cytogenetic location: 9q31.1.
Variant type: single nucleotide variant.
Coding change: c.1913G>A on transcript NM_014425.5 (MANE Select); coding-DNA position 1913, G replaced by A.
Protein change: p.Arg638Gln; replaces arginine 638 with glutamine.
Molecular consequence: missense variant. On other transcripts: non-coding transcript variant (1).
Genome position (GRCh38, 1-based): chr9:100,284,448, G>A. VCF-style: chr9-100284448-G-A. GRCh37 (hg19) VCF-style: chr9-103046730-G-A.
Other names: c.1625G>A, p.Arg542Gln (NM_001318381.2); c.935G>A, p.Arg312Gln (NM_001318382.2); c.1913G>A (NM_014425.2); short protein forms R638Q, R542Q, R312Q.
Identifiers: ClinVar variation 462710 (VCV000462710.8), dbSNP rs761806481, ClinGen allele CA5158508.